The following is an entry in ClinVar:

NM_000277.3(PAH):c.148A>T (p.Lys50Ter)

Gene: PAH (phenylalanine hydroxylase; minus strand). Cytogenetic location: 12q23.2.
Variant type: single nucleotide variant.
Coding change: c.148A>T on transcript NM_000277.3 (MANE Select); coding-DNA position 148, A replaced by T.
Protein change: p.Lys50Ter; replaces lysine 50 with a stop codon.
Molecular consequence: nonsense.
Genome position (GRCh38, 1-based): chr12:102,912,811, T>A on the plus strand (A>T on the coding strand, the complement: PAH is on the minus strand). VCF-style: chr12-102912811-T-A. GRCh37 (hg19) VCF-style: chr12-103306589-T-A.
Other names: c.148A>T (NM_000277.2); c.148A>T, p.Lys50Ter (NM_001354304.2); short protein forms K50*.
Identifiers: ClinVar variation 1724001 (VCV001724001.3), dbSNP rs776829633, ClinGen allele CA386302322.

ClinVar aggregate classification (germline): Likely pathogenic. Review status: criteria provided, multiple submitters, no conflicts (2 of 4 stars). 2 submissions from 2 submitters: Likely pathogenic (2). Last evaluated 2024-09-23.

Conditions:
Phenylketonuria (PKU). Also called: Phenylketonurias; FOLLING DISEASE; Phenylketonuria (PKU); OLIGOPHRENIA PHENYLPYRUVICA. Identifiers: Orphanet 716, MedGen C0031485, MONDO:0009861, OMIM 261600. Disease mechanism: loss of function.

Submissions (2):

Natera, Inc.
Classification: Likely pathogenic for Phenylketonuria. Last evaluated: 2024-09-23. Review status: criteria provided, single submitter. Criteria: Natera Variant Classification Schema (03/2026). Collection method: clinical testing. Allele origin: germline.
Comment: The c.148A>T variant in PAH is a nonsense variant predicted to introduce a stop codon at amino acid 50. This variant is expected to result in nonsense mediated decay, truncation, or a dysfunctional protein product. This variant is rare in the general population with a frequency below the threshold expected for the associated phenotype(s). Given the available evidence, this variant is classified as Likely Pathogenic.

Myriad Genetics, Inc.
Classification: Likely pathogenic for Phenylketonuria. Last evaluated: 2022-01-23. Review status: criteria provided, single submitter. Criteria: Myriad Women's Health Autosomal Recessive and X-Linked Classification Criteria (2021). Collection method: clinical testing. Allele origin: unknown.
Comment: NM_000277.1(PAH):c.148A>T(K50*) is expected to be pathogenic in the context of phenylalanine hydroxylase deficiency. This variant is predicted to lead to an abnormal or absent protein product due to the creation of a premature termination codon in PAH, a gene where loss-of-function variants are known to be pathogenic. Please note: this variant was assessed in the context of healthy population screening.